The following is an entry in ClinVar:

NM_000439.5(PCSK1):c.423G>A (p.Leu141=)

Genes: CAST (calpastatin; plus strand), PCSK1 (proprotein convertase subtilisin/kexin type 1; minus strand), LOC101929710 (uncharacterized LOC101929710; plus strand). Cytogenetic location: 5q15.
Variant type: single nucleotide variant.
Coding change: c.423G>A on transcript NM_000439.5 (MANE Select); coding-DNA position 423, G replaced by A.
Protein change: p.Leu141=; no amino-acid change (leucine 141 retained).
Molecular consequence: synonymous variant.
Genome position (GRCh38, 1-based): chr5:96,423,433, C>T on the plus strand (G>A on the coding strand, the complement: PCSK1 is on the minus strand). VCF-style: chr5-96423433-C-T. GRCh37 (hg19) VCF-style: chr5-95759137-C-T.
Other names: c.282G>A, p.Leu94= (NM_001177875.2); c.423G>A (NM_000439.4).
Identifiers: ClinVar variation 1532639 (VCV001532639.10), dbSNP rs760915132, ClinGen allele CA3350482.

ClinVar aggregate classification (germline): Likely benign. Review status: criteria provided, single submitter (1 of 4 stars). 2 submissions from 2 submitters: Likely benign (1). 1 of the submissions does not count toward it. Last evaluated 2021-11-27.

Conditions:
PCSK1-related disorder. Also called: PCSK1-related condition.

Allele frequency attached by ClinVar (database versions not stated): gnomAD 0.00001; gnomAD exomes 0.00005 and 0.00003; TOPMed 0.00001; ExAC 0.00002.
gnomAD v4.1: 16 of 1,613,966 alleles (0.00099%); highest among the groups gnomAD compares: Admixed American, 0.027%; no homozygotes.

Submissions (2):

Labcorp Genetics (formerly Invitae), Labcorp
Classification: Likely benign. Last evaluated: 2021-11-27. Review status: criteria provided, single submitter. Criteria: Invitae Variant Classification Sherloc (09022015). Collection method: clinical testing. Allele origin: germline.

PreventionGenetics, part of Exact Sciences
Classification: Likely benign for PCSK1-related condition. Last evaluated: 2019-12-18. Review status: no assertion criteria provided. Collection method: clinical testing. Allele origin: germline. Not counted in ClinVar's aggregate classification.
Comment: This variant is classified as likely benign based on ACMG/AMP sequence variant interpretation guidelines (Richards et al. 2015 PMID: 25741868, with internal and published modifications).